The following is an entry in ClinVar:

NM_000287.4(PEX6):c.2349del (p.Asn784fs)

Gene: PEX6 (peroxisomal biogenesis factor 6; minus strand). Cytogenetic location: 6p21.1.
Variant type: Deletion.
Coding change: c.2349del on transcript NM_000287.4 (MANE Select); coding-DNA position 2349, one base deleted (G; older notation c.2349delG).
Protein change: p.Asn784fs; shifts the reading frame from asparagine 784.
Molecular consequence: frameshift variant.
Genome position (GRCh38, 1-based): chr6:42,966,057, C deleted on the plus strand (G on the coding strand, the reverse complement: PEX6 is on the minus strand). VCF-style (leftmost placement, unchanged base first): chr6-42966056-TC-T. GRCh37 (hg19) VCF-style: chr6-42933794-TC-T.
Other names: c.2085del, p.Asn696fs (NM_001316313.2); short protein forms N696fs, N784fs.
Identifiers: ClinVar variation 4818115 (VCV004818115.1).

ClinVar aggregate classification (germline): Likely pathogenic (1 of 4 stars; one submission).

Conditions:
Zellweger spectrum disorders (ZS). Also called: Zellweger Spectrum Disorder (ZSD); Zellweger syndrome; Zellweger Spectrum Disorder; Zellweger Spectrum. Identifiers: Orphanet 912, MedGen C0043459, MONDO:0019609.

Submission:

Natera, Inc.
Classification: Likely pathogenic for Zellweger syndrome. Last evaluated: 2025-11-03. Review status: criteria provided, single submitter. Criteria: Natera Variant Classification Schema (03/2026). Collection method: clinical testing. Allele origin: germline.
Comment: The c.2349del variant in PEX6 is a frameshift variant predicted to shift the reading frame beginning at codon 784 and leads to a stop codon 38 codons downstream. This variant is expected to result in nonsense mediated decay, truncation, or a dysfunctional protein product. This variant is rare in the general population with a frequency below the threshold expected for the associated phenotype(s). Given the available evidence, this variant is classified as Likely Pathogenic.